The following is an entry in ClinVar:

NM_000128.4(F11):c.585_586del (p.Leu195_Ser196insTer)

Gene: F11 (coagulation factor XI; plus strand). Cytogenetic location: 4q35.2.
Variant type: Deletion.
Coding change: c.585_586del on transcript NM_000128.4 (MANE Select); coding-DNA positions 585 to 586, 2 bases deleted (TT; older notation c.585_586delTT).
Protein change: p.Leu195_Ser196insTer.
Molecular consequence: frameshift variant. On other transcripts: nonsense (1), intron variant (4).
Genome position (GRCh38, 1-based): chr4:186,275,886-186,275,887, TT deleted; deleting any 2 consecutive bases within chr4:186,275,885-186,275,887 gives the same sequence; the c. name uses the placement nearest the transcript's 3' end. VCF-style (leftmost placement, unchanged base first): chr4-186275884-CTT-C. GRCh37 (hg19) VCF-style: chr4-187197038-CTT-C.
Other names: c.585_586delTT, p.Ser196Terfs (NM_000128.3); c.585_586del, p.Leu195_Ser196insTer (NM_001440590.1, NM_001440593.1, NM_001440596.1); c.485+1611_485+1612del (NM_001440605.1, NM_001440607.1, NM_001440606.1 and 1 more transcripts).
Identifiers: ClinVar variation 4817500 (VCV004817500.1).
Genomic context (GRCh38, chr4:186,275,884, plus strand): 5'-CCAACCAGAATAACGAAGCTCGATAAAGTGGTGTCTGGATTTTCACTGAAATCCTGTGCA[CTT>C]TCTAATCTGGGTAATTATCGACTTCTTGATGATGTAATTCAACCATTAAATATGCTGATG-3'

ClinVar aggregate classification (germline): Likely pathogenic (1 of 4 stars; one submission).

Conditions:
Plasma factor XI deficiency.

Submission:

Natera, Inc.
Classification: Likely pathogenic for Plasma factor XI deficiency. Last evaluated: 2024-08-05. Review status: criteria provided, single submitter. Criteria: Natera Variant Classification Schema (03/2026). Collection method: clinical testing. Allele origin: germline.
Comment: The c.585_586del variant in F11 is a frameshift variant predicted to shift the reading frame and introduce a stop codon. This variant is expected to result in nonsense mediated decay, truncation, or a dysfunctional protein product. This variant is rare in the general population with a frequency below the threshold expected for the associated phenotype(s). Given the available evidence, this variant is classified as Likely Pathogenic.